The following is an entry in ClinVar:

NM_001148.6(ANK2):c.55A>G (p.Ser19Gly)

Gene: ANK2 (ankyrin 2; plus strand). Cytogenetic location: 4q25.
Variant type: single nucleotide variant.
Coding change: c.55A>G on transcript NM_001148.6 (MANE Select); coding-DNA position 55, A replaced by G.
Protein change: p.Ser19Gly; replaces serine 19 with glycine.
Molecular consequence: missense variant. On other transcripts: intron variant (43).
Genome position (GRCh38, 1-based): chr4:113,049,783, A>G. VCF-style: chr4-113049783-A-G. GRCh37 (hg19) VCF-style: chr4-113970939-A-G.
Other names: c.55A>G, p.Ser19Gly (NM_001354225.2, NM_001354228.2, NM_001354232.2 and 10 more transcripts); c.73-124633A>G (NM_001386186.2, NM_001386148.2, NM_001354269.3 and 1 more transcripts); c.22-101297A>G (NM_001386147.1, NM_001386160.1, NM_001354261.2); c.22-124633A>G (NM_001354254.2, NM_001354239.2, NM_001354252.2 and 33 more transcripts); short protein forms S19G.
Identifiers: ClinVar variation 4051313 (VCV004051313.1).
Genomic context (GRCh38, chr4:113,049,783, plus strand): 5'-TTCAAAATGATGAACGAAGATGCAGCTCAGAAAAGCGACAGTGGAGAGAAGTTCAACGGC[A>G]GTAGTCAGAGGAGAAAAAGACCCAAGAAGGTAAATCGCCGGAATTAGGAATGTCTGTGTA-3'
Protein context (NP_001139.3, residues 9-29): KSDSGEKFNG[Ser19Gly]SQRRKRPKKS

ClinVar aggregate classification (germline): Uncertain significance (1 of 4 stars; one submission).

Conditions:
Cardiovascular phenotype. Identifiers: MedGen CN230736.

gnomAD v4.1: 3 of 1,613,856 alleles (0.00019%); highest among the groups gnomAD compares: Admixed American, 0.005%; no homozygotes.

Submission:

Ambry Genetics
Classification: Uncertain significance for Cardiovascular phenotype. Last evaluated: 2025-05-27. Review status: criteria provided, single submitter. Criteria: Ambry Variant Classification Scheme 2023. Collection method: clinical testing. Allele origin: germline.
Comment: The p.S19G variant (also known as c.55A>G), located in coding exon 1 of the ANK2 gene, results from an A to G substitution at nucleotide position 55. The serine at codon 19 is replaced by glycine, an amino acid with similar properties. This amino acid position is conserved. In addition, this alteration is predicted to be tolerated by in silico analysis. Based on the available evidence, the clinical significance of this variant remains unclear.